The following is an entry in ClinVar:

NM_002860.4(ALDH18A1):c.*611G>A

Gene: ALDH18A1 (aldehyde dehydrogenase 18 family member A1; minus strand). Cytogenetic location: 10q24.1.
Variant type: single nucleotide variant.
Coding change: c.*611G>A on transcript NM_002860.4 (MANE Select); 611 bases downstream of the stop codon, G replaced by A.
Molecular consequence: 3 prime UTR variant.
Genome position (GRCh38, 1-based): chr10:95,606,151, C>T on the plus strand (G>A on the coding strand, the complement: ALDH18A1 is on the minus strand). VCF-style: chr10-95606151-C-T. GRCh37 (hg19) VCF-style: chr10-97365908-C-T.
Other names: c.*611G>A (NM_001017423.2, NM_001323412.2, NM_001323413.2 and 6 more transcripts).
Identifiers: ClinVar variation 879818 (VCV000879818.5), dbSNP rs41291562, ClinGen allele CA211785770.

ClinVar aggregate classification (germline): Benign. Review status: criteria provided, multiple submitters, no conflicts (2 of 4 stars). 2 submissions from 2 submitters: Benign (2). Last evaluated 2018-01-12.

Conditions:
ALDH18A1-related de Barsy syndrome. Also called: DE BARSY SYNDROME A; Cutis laxa, autosomal recessive IIIA. Identifiers: Orphanet 2962, Orphanet 35664, MedGen C5234852, MONDO:0009053, OMIM 219150.

Allele frequency attached by ClinVar (database versions not stated): 1000 Genomes Project 0.00799; gnomAD 0.01228 and 0.01242; TOPMed 0.01311; gnomAD exomes 0.01918.
gnomAD v4.1: 13,031 of 739,948 alleles (1.8%); highest among the groups gnomAD compares: Non-Finnish European, 2%; 153 homozygotes.

Submissions (2):

Illumina Laboratory Services, Illumina
Classification: Benign for ALDH18A1-related de Barsy syndrome. Last evaluated: 2018-01-12. Review status: criteria provided, single submitter. Criteria: ICSL Variant Classification Criteria 13 December 2019. Collection method: clinical testing. Allele origin: germline.
Comment: This variant was observed in the ICSL laboratory as part of a predisposition screen in an ostensibly healthy population. It had not been previously curated by ICSL or reported in the Human Gene Mutation Database (HGMD: prior to June 1st, 2018), and was therefore a candidate for classification through an automated scoring system. Utilizing variant allele frequency, disease prevalence and penetrance estimates, and inheritance mode, an automated score was calculated to assess if this variant is too frequent to cause the disease. Based on the score and internal cut-off values, a variant classified as benign is not then subjected to further curation. The score for this variant resulted in a classification of benign for this disease.

Breakthrough Genomics
Classification: Benign. Review status: criteria provided, single submitter. Criteria: ACMG Guidelines, 2015. Collection method: not provided. Allele origin: germline. Inheritance: Autosomal recessive inheritance. Affected: yes.